The following is an entry in ClinVar:

NM_004385.5(VCAN):c.1960G>A (p.Glu654Lys)

Gene: VCAN (versican; plus strand). Cytogenetic location: 5q14.3.
Variant type: single nucleotide variant.
Coding change: c.1960G>A on transcript NM_004385.5 (MANE Select); coding-DNA position 1960, G replaced by A.
Protein change: p.Glu654Lys; replaces glutamic acid 654 with lysine.
Molecular consequence: missense variant. On other transcripts: intron variant (2).
Genome position (GRCh38, 1-based): chr5:83,520,266, G>A. VCF-style: chr5-83520266-G-A. GRCh37 (hg19) VCF-style: chr5-82816085-G-A.
Other names: c.1960G>A, p.Glu654Lys (NM_001164098.2); c.1042+7870G>A (NM_001164097.2, NM_001126336.3); short protein forms E654K.
Identifiers: ClinVar variation 1039105 (VCV001039105.8), dbSNP rs202008807, ClinGen allele CA3332759.

ClinVar aggregate classification (germline): Uncertain significance (1 of 4 stars; one submission).

Allele frequency attached by ClinVar (database versions not stated): gnomAD 0.00001; gnomAD exomes 0.00001; TOPMed 0.00001; ExAC 0.00002.
gnomAD v4.1: 17 of 1,613,848 alleles (0.0011%); highest among the groups gnomAD compares: Non-Finnish European, 0.0014%; no homozygotes.

Submission:

Labcorp Genetics (formerly Invitae), Labcorp
Classification: Uncertain significance. Last evaluated: 2025-04-22. Review status: criteria provided, single submitter. Criteria: Invitae Variant Classification Sherloc (09022015). Collection method: clinical testing. Allele origin: germline.
Comment: This sequence change replaces glutamic acid, which is acidic and polar, with lysine, which is basic and polar, at codon 654 of the VCAN protein (p.Glu654Lys). This variant is present in population databases (rs202008807, gnomAD 0.003%). This variant has not been reported in the literature in individuals affected with VCAN-related conditions. ClinVar contains an entry for this variant (Variation ID: 1039105). An algorithm developed to predict the effect of missense changes on protein structure and function outputs the following: PolyPhen-2: "Benign". The lysine amino acid residue is found in multiple mammalian species, which suggests that this missense change does not adversely affect protein function. In summary, the available evidence is currently insufficient to determine the role of this variant in disease. Therefore, it has been classified as a Variant of Uncertain Significance.